The following is an entry in ClinVar:

NM_000497.4(CYP11B1):c.1398+6C>G

Genes: CYP11B1 (cytochrome P450 family 11 subfamily B member 1; minus strand), LOC106799833 (CYP11B1 recombination region; plus strand). Cytogenetic location: 8q24.3.
Variant type: single nucleotide variant.
Coding change: c.1398+6C>G on transcript NM_000497.4 (MANE Select); 6 bases into the intron after coding-DNA position 1398, C replaced by G.
Molecular consequence: intron variant.
Genome position (GRCh38, 1-based): chr8:142,874,951, G>C on the plus strand (C>G on the coding strand, the complement: CYP11B1 is on the minus strand). VCF-style: chr8-142874951-G-C. GRCh37 (hg19) VCF-style: chr8-143956367-G-C.
Other names: c.1200+283C>G (NM_001026213.1).
Identifiers: ClinVar variation 2691652 (VCV002691652.3), dbSNP rs776284924, ClinGen allele CA4905001.
Genomic context (GRCh38, chr8:142,874,951, plus strand): 5'-TTGCTCAAGCCCCGCCCATGCTGCCCAGACCCCGCCCAGGCCCCTCCCCAGCCCGGGCCT[G>C]CTCACATGGTGCAGCAGCAGCAGCATCTCTGCCTCTGCCAGGCGCCGCCCAAGGCACTGG-3'

ClinVar aggregate classification (germline): Conflicting classifications of pathogenicity. Review status: criteria provided, conflicting classifications (1 of 4 stars). 3 submissions from 3 submitters: Uncertain significance (2); Likely benign (1). Last evaluated 2024-09-27.

Conditions:
Glucocorticoid-remediable aldosteronism. Also called: Hyperaldosteronism, familial, type I; GLUCOCORTICOID-SUPPRESSIBLE HYPERALDOSTERONISM; ACTH-DEPENDENT HYPERALDOSTERONISM SYNDROME; ALDOSTERONISM, SENSITIVE TO DEXAMETHASONE; FH I. Identifiers: Orphanet 403, MedGen C3838731, MONDO:0007080, OMIM 103900.
Deficiency of steroid 11-beta-monooxygenase (CYP11B1). Also called: ADRENAL HYPERPLASIA IV; Congenital adrenal hyperplasia due to 11-beta-hydroxylase deficiency; ADRENAL HYPERPLASIA, CONGENITAL, DUE TO STEROID 11-BETA-HYDROXYLASE DEFICIENCY; 11-BETA-HYDROXYLASE DEFICIENCY; P450C11B1 DEFICIENCY; STEROID 11-BETA-HYDROXYLASE DEFICIENCY. Identifiers: Orphanet 90795, MedGen C0268292, MONDO:0008729, OMIM 202010. Disease mechanism: loss of function.

Allele frequency attached by ClinVar (database versions not stated): gnomAD 0.00002; ExAC 0.00010.
gnomAD v4.1: 51 of 1,612,874 alleles (0.0032%); highest among the groups gnomAD compares: Admixed American, 0.085%; no homozygotes.

Submissions (3):

Labcorp Genetics (formerly Invitae), Labcorp
Classification: Uncertain significance. Last evaluated: 2024-09-27. Review status: criteria provided, single submitter. Criteria: Invitae Variant Classification Sherloc (09022015). Collection method: clinical testing. Allele origin: germline.
Comment: This sequence change falls in intron 8 of the CYP11B1 gene. It does not directly change the encoded amino acid sequence of the CYP11B1 protein. It affects a nucleotide within the consensus splice site. This variant is present in population databases (rs776284924, gnomAD 0.1%). This variant has not been reported in the literature in individuals affected with CYP11B1-related conditions. Variants that disrupt the consensus splice site are a relatively common cause of aberrant splicing (PMID: 17576681, 9536098). Algorithms developed to predict the effect of sequence changes on RNA splicing suggest that this variant is not likely to affect RNA splicing. In summary, the available evidence is currently insufficient to determine the role of this variant in disease. Therefore, it has been classified as a Variant of Uncertain Significance.

Fulgent Genetics
Classification: Likely benign for Glucocorticoid-remediable aldosteronism; Deficiency of steroid 11-beta-monooxygenase. Last evaluated: 2024-04-03. Review status: criteria provided, single submitter. Criteria: ACMG Guidelines, 2015. Collection method: clinical testing. Allele origin: germline.

Women's Health and Genetics/Laboratory Corporation of America, LabCorp
Classification: Uncertain significance. Last evaluated: 2023-12-03. Review status: criteria provided, single submitter. Criteria: LabCorp Variant Classification Summary - May 2015. Collection method: clinical testing. Allele origin: germline.

Literature cited by the submitters: PubMed 17576681 (cited by Labcorp Genetics (formerly Invitae), Labcorp); PubMed 9536098 (cited by Labcorp Genetics (formerly Invitae), Labcorp).